The following is an entry in ClinVar:

NM_153603.4(COG7):c.1259G>C (p.Gly420Ala)

Gene: COG7 (component of oligomeric golgi complex 7; minus strand). Cytogenetic location: 16p12.2.
Variant type: single nucleotide variant.
Coding change: c.1259G>C on transcript NM_153603.4 (MANE Select); coding-DNA position 1259, G replaced by C.
Protein change: p.Gly420Ala; replaces glycine 420 with alanine.
Molecular consequence: missense variant.
Genome position (GRCh38, 1-based): chr16:23,417,000, C>G on the plus strand (G>C on the coding strand, the complement: COG7 is on the minus strand). VCF-style: chr16-23417000-C-G. GRCh37 (hg19) VCF-style: chr16-23428321-C-G.
Other names: short protein forms G420A.
Identifiers: ClinVar variation 2186989 (VCV002186989.4), dbSNP rs773279166, ClinGen allele CA395119577.

ClinVar aggregate classification (germline): Uncertain significance (1 of 4 stars; one submission).

Conditions:
COG7 congenital disorder of glycosylation (CDG2E). Also called: CONGENITAL DISORDER OF GLYCOSYLATION, TYPE IIe; CDG IIe. Identifiers: Orphanet 79333, MedGen C2931010, MONDO:0012118, OMIM 608779.

Allele frequency attached by ClinVar (database versions not stated): gnomAD 0.00001.
gnomAD v4.1: 10 of 1,614,112 alleles (0.00062%); highest among the groups gnomAD compares: African/African-American, 0.013%; no homozygotes.

Submission:

Labcorp Genetics (formerly Invitae), Labcorp
Classification: Uncertain significance for COG7 congenital disorder of glycosylation. Last evaluated: 2022-07-05. Review status: criteria provided, single submitter. Criteria: Invitae Variant Classification Sherloc (09022015). Collection method: clinical testing. Allele origin: germline.
Comment: In summary, the available evidence is currently insufficient to determine the role of this variant in disease. Therefore, it has been classified as a Variant of Uncertain Significance. Algorithms developed to predict the effect of missense changes on protein structure and function are either unavailable or do not agree on the potential impact of this missense change (SIFT: "Tolerated"; PolyPhen-2: "Probably Damaging"; Align-GVGD: "Class C0"). This variant has not been reported in the literature in individuals affected with COG7-related conditions. This variant is present in population databases (no rsID available, gnomAD 0.007%). This sequence change replaces glycine, which is neutral and non-polar, with alanine, which is neutral and non-polar, at codon 420 of the COG7 protein (p.Gly420Ala).